The following is an entry in ClinVar:

NM_138927.4(SON):c.5977C>G (p.Arg1993Gly)

Gene: SON (SON DNA and RNA binding protein; plus strand). Cytogenetic location: 21q22.11.
Variant type: single nucleotide variant.
Coding change: c.5977C>G on transcript NM_138927.4 (MANE Select); coding-DNA position 5977, C replaced by G.
Protein change: p.Arg1993Gly; replaces arginine 1993 with glycine.
Molecular consequence: missense variant. On other transcripts: non-coding transcript variant (1), intron variant (1).
Genome position (GRCh38, 1-based): chr21:33,555,208, C>G. VCF-style: chr21-33555208-C-G. GRCh37 (hg19) VCF-style: chr21-34927514-C-G.
Other names: c.5977C>G, p.Arg1993Gly (NM_001291411.2, NM_032195.3); c.245-1948C>G (NM_001291412.3); short protein forms R1993G.
Identifiers: ClinVar variation 3364725 (VCV003364725.2).

ClinVar aggregate classification (germline): Uncertain significance (1 of 4 stars; one submission).

Submission:

GeneDx
Classification: Uncertain significance. Last evaluated: 2024-12-03. Review status: criteria provided, single submitter. Criteria: GeneDx Variant Classification Process June 2021. Collection method: clinical testing. Allele origin: germline.
Comment: Not observed at significant frequency in large population cohorts (gnomAD); In silico analysis supports that this missense variant has a deleterious effect on protein structure/function; Has not been previously published as pathogenic or benign to our knowledge